The following is an entry in ClinVar:

NM_005045.4(RELN):c.4031G>A (p.Gly1344Asp)

Gene: RELN (reelin; minus strand). Cytogenetic location: 7q22.1.
Variant type: single nucleotide variant.
Coding change: c.4031G>A on transcript NM_005045.4 (MANE Select); coding-DNA position 4031, G replaced by A.
Protein change: p.Gly1344Asp; replaces glycine 1344 with aspartic acid.
Molecular consequence: missense variant.
Genome position (GRCh38, 1-based): chr7:103,589,710, C>T on the plus strand (G>A on the coding strand, the complement: RELN is on the minus strand). VCF-style: chr7-103589710-C-T. GRCh37 (hg19) VCF-style: chr7-103230157-C-T.
Other names: c.4031G>A, p.Gly1344Asp (NM_173054.3); short protein forms G1344D.
Identifiers: ClinVar variation 949839 (VCV000949839.13), dbSNP rs1831365750, ClinGen allele CA368756020.

ClinVar aggregate classification (germline): Uncertain significance. Review status: criteria provided, multiple submitters, no conflicts (2 of 4 stars). 2 submissions from 2 submitters: Uncertain significance (2). Last evaluated 2023-05-11.

Conditions:
Norman-Roberts syndrome (LIS2). Also called: Lissencephaly 2 (Norman-Roberts type). Identifiers: Orphanet 89844, MedGen C0796089, MONDO:0009760, OMIM 257320.
Familial temporal lobe epilepsy 7. Identifiers: Orphanet 101046, MedGen C4225327, MONDO:0014639, OMIM 616436.

gnomAD v4.1: 1 of 1,613,894 alleles (0.000062%); highest among the groups gnomAD compares: African/African-American, 0.0013%; no homozygotes.

Submissions (2):

Labcorp Genetics (formerly Invitae), Labcorp
Classification: Uncertain significance for Familial temporal lobe epilepsy 7; Norman-Roberts syndrome. Last evaluated: 2023-05-11. Review status: criteria provided, single submitter. Criteria: Invitae Variant Classification Sherloc (09022015). Collection method: clinical testing. Allele origin: germline.
Comment: Advanced modeling of protein sequence and biophysical properties (such as structural, functional, and spatial information, amino acid conservation, physicochemical variation, residue mobility, and thermodynamic stability) performed at Invitae indicates that this missense variant is not expected to disrupt RELN protein function. ClinVar contains an entry for this variant (Variation ID: 949839). This variant has not been reported in the literature in individuals affected with RELN-related conditions. This variant is not present in population databases (gnomAD no frequency). This sequence change replaces glycine, which is neutral and non-polar, with aspartic acid, which is acidic and polar, at codon 1344 of the RELN protein (p.Gly1344Asp). In summary, the available evidence is currently insufficient to determine the role of this variant in disease. Therefore, it has been classified as a Variant of Uncertain Significance.

Illumina Laboratory Services, Illumina
Classification: Uncertain significance for Norman-Roberts syndrome. Last evaluated: 2019-02-21. Review status: criteria provided, single submitter. Criteria: ICSLVariantClassificationCriteria RUGD 01 April 2020. Collection method: clinical testing. Allele origin: unknown.
Comment: The RELN c.4031G>A (p.Gly1344Asp) variant is a missense variant. A literature search was performed for the gene, cDNA change, and amino acid change. No publications were found based on this search. This variant is not found in the Genome Aggregation Database in a region of good sequence coverage so the variant is presumed to be rare. Based on the limited evidence, the p.Gly1344Asp variant is classified as a variant of uncertain significance for lissencephaly 2.